The following is an entry in ClinVar:

NM_003183.6(ADAM17):c.2248G>A (p.Ala750Thr)

Genes: ADAM17 (ADAM metallopeptidase domain 17; minus strand), IAH1 (isoamyl acetate hydrolyzing esterase 1 (putative); plus strand). Cytogenetic location: 2p25.1.
Variant type: single nucleotide variant.
Coding change: c.2248G>A on transcript NM_003183.6 (MANE Select); coding-DNA position 2248, G replaced by A.
Protein change: p.Ala750Thr; replaces alanine 750 with threonine.
Molecular consequence: missense variant.
Genome position (GRCh38, 1-based): chr2:9,490,404, C>T on the plus strand (G>A on the coding strand, the complement: ADAM17 is on the minus strand). VCF-style: chr2-9490404-C-T. GRCh37 (hg19) VCF-style: chr2-9630533-C-T.
Other names: c.1588G>A, p.Ala530Thr (NM_001382777.1); c.1351G>A, p.Ala451Thr (NM_001382778.1); short protein forms A530T, A451T, A750T.
Identifiers: ClinVar variation 1505445 (VCV001505445.4), dbSNP rs374624230, ClinGen allele CA42366803.
Genomic context (GRCh38, chr2:9,490,404, plus strand): 5'-AGTCTGTGCTGGGGTCTTCCTGGATGGTGTCCATTCTCTGGTGGTCCAGTTTTGGAGCTG[C>T]TGGCGCCGAAGGGATCACAGGGGCAGGCTGCAGGCGGCCTGGAGTCTGGGGCGCAGGAAA-3'
Protein context (NP_003174.3, residues 740-760): QPAPVIPSAP[Ala750Thr]APKLDHQRMD

ClinVar aggregate classification (germline): Uncertain significance (1 of 4 stars; one submission).

Conditions:
Inflammatory skin and bowel disease, neonatal, 1. Identifiers: Orphanet 294023, MedGen C3280501, MONDO:0013693, OMIM 614328.

Allele frequency attached by ClinVar (database versions not stated): gnomAD exomes below 0.00001; ESP Exome Variant Server 0.00008.
gnomAD v4.1: 3 of 1,614,130 alleles (0.00019%); highest among the groups gnomAD compares: Non-Finnish European, 0.00025%; no homozygotes.

Submission:

Labcorp Genetics (formerly Invitae), Labcorp
Classification: Uncertain significance for Inflammatory skin and bowel disease, neonatal, 1. Last evaluated: 2023-10-13. Review status: criteria provided, single submitter. Criteria: Invitae Variant Classification Sherloc (09022015). Collection method: clinical testing. Allele origin: germline.
Comment: This sequence change replaces alanine, which is neutral and non-polar, with threonine, which is neutral and polar, at codon 750 of the ADAM17 protein (p.Ala750Thr). This variant is not present in population databases (gnomAD no frequency). This variant has not been reported in the literature in individuals affected with ADAM17-related conditions. ClinVar contains an entry for this variant (Variation ID: 1505445). Algorithms developed to predict the effect of missense changes on protein structure and function output the following: SIFT: "Not Available"; PolyPhen-2: "Benign"; Align-GVGD: "Not Available". The threonine amino acid residue is found in multiple mammalian species, which suggests that this missense change does not adversely affect protein function. In summary, the available evidence is currently insufficient to determine the role of this variant in disease. Therefore, it has been classified as a Variant of Uncertain Significance.